The following is an entry in ClinVar:

NM_003919.3(SGCE):c.998T>C (p.Leu333Pro)

Genes: CASD1 (CAS1 domain sialic acid O acetyltransferase 1; plus strand), SGCE (sarcoglycan epsilon; minus strand). Cytogenetic location: 7q21.3.
Variant type: single nucleotide variant.
Coding change: c.998T>C on transcript NM_003919.3 (MANE Select); coding-DNA position 998, T replaced by C.
Protein change: p.Leu333Pro; replaces leucine 333 with proline.
Molecular consequence: missense variant.
Genome position (GRCh38, 1-based): chr7:94,600,685, A>G on the plus strand (T>C on the coding strand, the complement: SGCE is on the minus strand). VCF-style: chr7-94600685-A-G. GRCh37 (hg19) VCF-style: chr7-94229997-A-G.
Other names: c.998T>C, p.Leu333Pro (NM_001099400.2, NM_001099401.2, NM_001346717.2); c.875T>C, p.Leu292Pro (NM_001301139.2, NM_001362809.2); c.1106T>C, p.Leu369Pro (NM_001346713.2, NM_001346715.2); c.911T>C, p.Leu304Pro (NM_001346719.2, NM_001362807.2); c.725T>C, p.Leu242Pro (NM_001346720.2, NM_001362808.2); c.998T>C (NM_003919.2); short protein forms L242P, L369P, L292P, L333P, L304P.
Identifiers: ClinVar variation 2897026 (VCV002897026.4), dbSNP rs758035606, ClinGen allele CA4348676.
Genomic context (GRCh38, chr7:94,600,685, plus strand): 5'-TATTAGTTTTAAAGTACTCACACGCCTTCCCGTCGGCAGCACATGATATAAGCAAGTATT[A>G]GAAAAAGGACCAGTGCCACTGCCGAGGGCACAGCCAGTGTAATTAGGAAATCCGTGTAAT-3'
Protein context (NP_003910.1, residues 323-343): VPSAVALVLF[Leu333Pro]ILAYIMCCRR

ClinVar aggregate classification (germline): Uncertain significance. Review status: criteria provided, multiple submitters, no conflicts (2 of 4 stars). 2 submissions from 2 submitters: Uncertain significance (2). Last evaluated 2025-03-25.

Conditions:
Myoclonic dystonia 11 (DYT11). Also called: Myoclonic dystonia; Dystonia 11; Dystonia, alcohol responsive; Hereditary essential myoclonus; SGCE Myoclonus-Dystonia; Myoclonus-Dystonia. Identifiers: Orphanet 36899, MedGen C1834570, MONDO:0008044, OMIM 159900.

Allele frequency attached by ClinVar (database versions not stated): gnomAD exomes below 0.00001; ExAC 0.00001; gnomAD 0.00001.
gnomAD v4.1: 3 of 1,613,698 alleles (0.00019%); highest among the groups gnomAD compares: Non-Finnish European, 0.00025%; no homozygotes.

Submissions (2):

GeneDx
Classification: Uncertain significance. Last evaluated: 2025-03-25. Review status: criteria provided, single submitter. Criteria: GeneDx Variant Classification Process June 2021. Collection method: clinical testing. Allele origin: germline. Affected: yes.
Comment: Not observed at significant frequency in large population cohorts (gnomAD); In silico analysis supports that this missense variant has a deleterious effect on protein structure/function; Has not been previously published as pathogenic or benign to our knowledge

Labcorp Genetics (formerly Invitae), Labcorp
Classification: Uncertain significance for Myoclonic dystonia 11. Last evaluated: 2023-02-11. Review status: criteria provided, single submitter. Criteria: Invitae Variant Classification Sherloc (09022015). Collection method: clinical testing. Allele origin: germline.
Comment: Advanced modeling of protein sequence and biophysical properties (such as structural, functional, and spatial information, amino acid conservation, physicochemical variation, residue mobility, and thermodynamic stability) has been performed at Invitae for this missense variant, however the output from this modeling did not meet the statistical confidence thresholds required to predict the impact of this variant on SGCE protein function. In summary, the available evidence is currently insufficient to determine the role of this variant in disease. Therefore, it has been classified as a Variant of Uncertain Significance. This variant has not been reported in the literature in individuals affected with SGCE-related conditions. This sequence change replaces leucine, which is neutral and non-polar, with proline, which is neutral and non-polar, at codon 333 of the SGCE protein (p.Leu333Pro). This variant is present in population databases (rs758035606, gnomAD 0.0009%).